The following is an entry in ClinVar:

ClinVar aggregate classification (germline): Uncertain significance (1 of 4 stars; one submission).

Conditions:
Microcephaly 2, primary, autosomal recessive, with or without cortical malformations. Also called: WDR62 Primary Microcephaly; MICROCEPHALY 2, PRIMARY, AUTOSOMAL RECESSIVE, WITH CORTICAL MALFORMATIONS. Identifiers: Orphanet 2512, MedGen C1858535, MONDO:0011435, OMIM 604317.

Submission:

3billion
Classification: Uncertain significance for Microcephaly 2, primary, autosomal recessive, with or without cortical malformations. Last evaluated: 2025-10-30. Review status: criteria provided, single submitter. Criteria: ACMG Guidelines, 2015. Collection method: clinical testing. Allele origin: germline. Affected: yes.
Comment: The variant is observed at an extremely low frequency in the gnomAD v4.1.0 dataset (total allele frequency: <0.001%). Predicted Consequence/Location: Frameshift: predicted to result in a loss or disruption of normal protein function through protein truncation. The predicted truncated protein may be shortened by less than 10%. Therefore, this variant is classified as VUS according to the recommendation of ACMG/AMP guideline.

NM_001083961.2(WDR62):c.4442_4457del (p.Ala1481fs)

Gene: WDR62 (WD repeat domain 62; plus strand). Cytogenetic location: 19q13.12.
Variant type: Deletion.
Coding change: c.4442_4457del on transcript NM_001083961.2 (MANE Select); coding-DNA positions 4442 to 4457, 16 bases deleted (CTCTGCCCAGCCCAGG).
Protein change: p.Ala1481fs; shifts the reading frame from alanine 1481.
Molecular consequence: frameshift variant.
Genome position (GRCh38, 1-based): chr19:36,104,898-36,104,913, CTCTGCCCAGCCCAGG deleted; deleting any 16 consecutive bases within chr19:36,104,887-36,104,913 gives the same sequence; the c. name uses the placement nearest the transcript's 3' end. VCF-style (leftmost placement, unchanged base first): chr19-36104886-CCCCAGCCCAGGCTCTG-C. GRCh37 (hg19) VCF-style: chr19-36595788-CCCCAGCCCAGGCTCTG-C.
Other names: c.4427_4442del, p.Ala1476fs (NM_001411145.1, NM_173636.5); c.4193_4208del, p.Ala1398fs (NM_001411146.1); c.4091_4106del, p.Ala1364fs (NM_001411147.1); short protein forms A1364fs, A1398fs, A1476fs, A1481fs.
Identifiers: ClinVar variation 4854131 (VCV004854131.1).